The following is an entry in ClinVar:

ClinVar aggregate classification (germline): Uncertain significance (1 of 4 stars; one submission).

Submission:

Ambry Genetics
Classification: Uncertain significance. Last evaluated: 2025-07-03. Review status: criteria provided, single submitter. Criteria: Ambry Variant Classification Scheme 2023. Collection method: clinical testing. Allele origin: germline.
Comment: The p.S711N variant (also known as c.2132G>A), located in coding exon 13 of the GEN1 gene, results from a G to A substitution at nucleotide position 2132. The serine at codon 711 is replaced by asparagine, an amino acid with highly similar properties. This amino acid position is conserved. In addition, this alteration is predicted to be tolerated by in silico analysis. Based on the available evidence, the clinical significance of this variant remains unclear.

NM_001130009.3(GEN1):c.2132G>A (p.Ser711Asn)

Gene: GEN1 (GEN1 Holliday junction 5' flap endonuclease; plus strand). Cytogenetic location: 2p24.2.
Variant type: single nucleotide variant.
Coding change: c.2132G>A on transcript NM_001130009.3 (MANE Select); coding-DNA position 2132, G replaced by A.
Protein change: p.Ser711Asn; replaces serine 711 with asparagine.
Molecular consequence: missense variant.
Genome position (GRCh38, 1-based): chr2:17,781,344, G>A. VCF-style: chr2-17781344-G-A. GRCh37 (hg19) VCF-style: chr2-17962611-G-A.
Other names: c.2132G>A, p.Ser711Asn (NM_182625.5); short protein forms S711N.
Identifiers: ClinVar variation 4263006 (VCV004263006.1).